The following is an entry in ClinVar:

ClinVar aggregate classification (germline): Uncertain significance (1 of 4 stars; one submission).

Submission:

Labcorp Genetics (formerly Invitae), Labcorp
Classification: Uncertain significance. Last evaluated: 2023-10-10. Review status: criteria provided, single submitter. Criteria: Invitae Variant Classification Sherloc (09022015). Collection method: clinical testing. Allele origin: germline.
Comment: This sequence change replaces threonine, which is neutral and polar, with isoleucine, which is neutral and non-polar, at codon 193 of the TUBA1A protein (p.Thr193Ile). This variant is not present in population databases (gnomAD no frequency). This variant has not been reported in the literature in individuals affected with TUBA1A-related conditions. Advanced modeling of protein sequence and biophysical properties (such as structural, functional, and spatial information, amino acid conservation, physicochemical variation, residue mobility, and thermodynamic stability) performed at Invitae indicates that this missense variant is expected to disrupt TUBA1A protein function. In summary, the available evidence is currently insufficient to determine the role of this variant in disease. Therefore, it has been classified as a Variant of Uncertain Significance.

NM_006009.4(TUBA1A):c.578C>T (p.Thr193Ile)

Gene: TUBA1A (tubulin alpha 1a; minus strand). Cytogenetic location: 12q13.12.
Variant type: single nucleotide variant.
Coding change: c.578C>T on transcript NM_006009.4 (MANE Select); coding-DNA position 578, C replaced by T.
Protein change: p.Thr193Ile; replaces threonine 193 with isoleucine.
Molecular consequence: missense variant.
Genome position (GRCh38, 1-based): chr12:49,185,788, G>A on the plus strand (C>T on the coding strand, the complement: TUBA1A is on the minus strand). VCF-style: chr12-49185788-G-A. GRCh37 (hg19) VCF-style: chr12-49579571-G-A.
Other names: c.578C>T, p.Thr193Ile (NM_001270399.2); c.473C>T, p.Thr158Ile (NM_001270400.2); short protein forms T158I, T193I.
Identifiers: ClinVar variation 2767497 (VCV002767497.3), dbSNP rs2498860873, ClinGen allele CA384641600.
Genomic context (GRCh38, chr12:49,185,788, plus strand): 5'-CAGATGTCATAGATGGCCTCATTGTCTACCATGAAGGCACAATCAGAGTGCTCCAGGGTG[G>A]TGTGGGTGGTGAGGATGGAGTTGTAGGGCTCAACTACAGCTGTGGAAACCTGGGGCGCCG-3'
Protein context (NP_006000.2, residues 183-203): EPYNSILTTH[Thr193Ile]TLEHSDCAFM